The following is an entry in ClinVar:

NM_001004334.4(GPR179):c.2768A>C (p.Glu923Ala)

Gene: GPR179 (G protein-coupled receptor 179; minus strand). Cytogenetic location: 17q12.
Variant type: single nucleotide variant.
Coding change: c.2768A>C on transcript NM_001004334.4 (MANE Select); coding-DNA position 2768, A replaced by C.
Protein change: p.Glu923Ala; replaces glutamic acid 923 with alanine.
Molecular consequence: missense variant.
Genome position (GRCh38, 1-based): chr17:38,330,801, T>G on the plus strand (A>C on the coding strand, the complement: GPR179 is on the minus strand). VCF-style: chr17-38330801-T-G. GRCh37 (hg19) VCF-style: chr17-36486684-T-G.
Other names: short protein forms E923A.
Identifiers: ClinVar variation 1480274 (VCV001480274.6), dbSNP rs768432912, ClinGen allele CA290105581.

ClinVar aggregate classification (germline): Uncertain significance (1 of 4 stars; one submission).

Allele frequency attached by ClinVar (database versions not stated): gnomAD exomes below 0.00001; ExAC 0.00001.
gnomAD v4.1: 2 of 1,603,618 alleles (0.00012%); no homozygotes.

Submission:

Labcorp Genetics (formerly Invitae), Labcorp
Classification: Uncertain significance. Last evaluated: 2025-05-29. Review status: criteria provided, single submitter. Criteria: Invitae Variant Classification Sherloc (09022015). Collection method: clinical testing. Allele origin: germline.
Comment: This sequence change replaces glutamic acid, which is acidic and polar, with alanine, which is neutral and non-polar, at codon 923 of the GPR179 protein (p.Glu923Ala). This variant is present in population databases (rs768432912, gnomAD 0.003%). This variant has not been reported in the literature in individuals affected with GPR179-related conditions. ClinVar contains an entry for this variant (Variation ID: 1480274). An algorithm developed to predict the effect of missense changes on protein structure and function outputs the following: PolyPhen-2: "Benign". The alanine amino acid residue is found in multiple mammalian species, which suggests that this missense change does not adversely affect protein function. In summary, the available evidence is currently insufficient to determine the role of this variant in disease. Therefore, it has been classified as a Variant of Uncertain Significance.